The following is an entry in ClinVar:

NM_004656.4(BAP1):c.1660G>C (p.Gly554Arg)

Gene: BAP1 (BRCA1 associated deubiquitinase 1; minus strand). Cytogenetic location: 3p21.1.
Variant type: single nucleotide variant.
Coding change: c.1660G>C on transcript NM_004656.4 (MANE Select); coding-DNA position 1660, G replaced by C.
Protein change: p.Gly554Arg; replaces glycine 554 with arginine.
Molecular consequence: missense variant.
Genome position (GRCh38, 1-based): chr3:52,403,485, C>G on the plus strand (G>C on the coding strand, the complement: BAP1 is on the minus strand). VCF-style: chr3-52403485-C-G. GRCh37 (hg19) VCF-style: chr3-52437501-C-G.
Other names: short protein forms G554R.
Identifiers: ClinVar variation 851785 (VCV000851785.10), dbSNP rs1578220332, ClinGen allele CA353100064.

ClinVar aggregate classification (germline): Uncertain significance. Review status: criteria provided, multiple submitters, no conflicts (2 of 4 stars). 2 submissions from 2 submitters: Uncertain significance (2). Last evaluated 2025-08-27.

Conditions:
Hereditary cancer-predisposing syndrome. Also called: Tumor predisposition; Neoplastic Syndromes, Hereditary; Hereditary neoplastic syndrome; Hereditary Cancer Syndrome. Identifiers: Orphanet 140162, MedGen C0027672, MeSH D009386, MONDO:0015356.
BAP1-related tumor predisposition syndrome (TPDS1). Also called: COMMON Syndrome; Tumor susceptibility linked to germline BAP1 mutations; TUMOR PREDISPOSITION SYNDROME 1; BAP1 tumor predisposition syndrome. Identifiers: Orphanet 289539, MedGen C3280492, MONDO:0013692, OMIM 614327.

Allele frequency attached by ClinVar (database versions not stated): gnomAD exomes below 0.00001; TOPMed below 0.00001; gnomAD 0.00001.
gnomAD v4.1: 2 of 1,613,866 alleles (0.00012%); highest among the groups gnomAD compares: African/African-American, 0.0027%; no homozygotes.

Submissions (2):

Ambry Genetics
Classification: Uncertain significance for Hereditary cancer-predisposing syndrome. Last evaluated: 2025-08-27. Review status: criteria provided, single submitter. Criteria: Ambry Variant Classification Scheme 2023. Collection method: clinical testing. Allele origin: germline.
Comment: The p.G554R variant (also known as c.1660G>C), located in coding exon 13 of the BAP1 gene, results from a G to C substitution at nucleotide position 1660. The glycine at codon 554 is replaced by arginine, an amino acid with dissimilar properties. This amino acid position is highly conserved in available vertebrate species. In addition, this alteration is predicted to be deleterious by in silico analysis. Since supporting evidence is limited at this time, the clinical significance of this alteration remains unclear.

Labcorp Genetics (formerly Invitae), Labcorp
Classification: Uncertain significance for BAP1-related tumor predisposition syndrome. Last evaluated: 2025-01-08. Review status: criteria provided, single submitter. Criteria: Invitae Variant Classification Sherloc (09022015). Collection method: clinical testing. Allele origin: germline.
Comment: This sequence change replaces glycine, which is neutral and non-polar, with arginine, which is basic and polar, at codon 554 of the BAP1 protein (p.Gly554Arg). This variant is not present in population databases (gnomAD no frequency). This variant has not been reported in the literature in individuals affected with BAP1-related conditions. ClinVar contains an entry for this variant (Variation ID: 851785). Invitae Evidence Modeling of protein sequence and biophysical properties (such as structural, functional, and spatial information, amino acid conservation, physicochemical variation, residue mobility, and thermodynamic stability) indicates that this missense variant is expected to disrupt BAP1 protein function with a positive predictive value of 80%. In summary, the available evidence is currently insufficient to determine the role of this variant in disease. Therefore, it has been classified as a Variant of Uncertain Significance.